The following is an entry in ClinVar:

NM_000501.4(ELN):c.155G>A (p.Gly52Glu)

Gene: ELN (elastin; plus strand). Cytogenetic location: 7q11.23.
Variant type: single nucleotide variant.
Coding change: c.155G>A on transcript NM_000501.4 (MANE Select); coding-DNA position 155, G replaced by A.
Protein change: p.Gly52Glu; replaces glycine 52 with glutamic acid.
Molecular consequence: missense variant. On other transcripts: intron variant (4).
Genome position (GRCh38, 1-based): chr7:74,036,576, G>A. VCF-style: chr7-74036576-G-A. GRCh37 (hg19) VCF-style: chr7-73450906-G-A.
Other names: c.155G>A (NM_000501.2); c.155G>A, p.Gly52Glu (NM_001081753.3, NM_001081754.3, NM_001081755.3 and 5 more transcripts); c.134-1131G>A (NM_001278914.2, NM_001278917.2, NM_001081752.3 and 1 more transcripts); short protein forms G52E.
Identifiers: ClinVar variation 2152932 (VCV002152932.5), dbSNP rs1165907480, ClinGen allele CA367868952.
Genomic context (GRCh38, chr7:74,036,576, plus strand): 5'-GTACCGATGATCTCTCTTTCTCTTTCTCTCCCCCCACAGGGGCTGGTCTCGGAGCCCTTG[G>A]AGGAGGAGGTGAGCTCAGAAACCACACTTGTTCATCACTGAAAGGGCCTGGGTTTCACCC-3'
Protein context (NP_000492.2, residues 42-62): FYPGAGLGAL[Gly52Glu]GGALGPGGKP

ClinVar aggregate classification (germline): Uncertain significance. Review status: criteria provided, multiple submitters, no conflicts (2 of 4 stars). 2 submissions from 2 submitters: Uncertain significance (2). Last evaluated 2025-12-02.

Conditions:
Inborn genetic diseases. Identifiers: MedGen C0950123, MeSH D030342.
Supravalvar aortic stenosis (SVAS). Also called: Supravalvar aortic stenosis, Eisenberg type. Identifiers: Orphanet 3193, MedGen C0003499, MONDO:0008504, OMIM 185500, HP:0004381.

Allele frequency attached by ClinVar (database versions not stated): gnomAD exomes below 0.00001; gnomAD 0.00001; TOPMed 0.00001.

Submissions (2):

Ambry Genetics
Classification: Uncertain significance for Inborn genetic diseases. Last evaluated: 2025-12-02. Review status: criteria provided, single submitter. Criteria: Ambry Variant Classification Scheme 2023. Collection method: clinical testing. Allele origin: germline.

Labcorp Genetics (formerly Invitae), Labcorp
Classification: Uncertain significance for Supravalvar aortic stenosis. Last evaluated: 2025-09-24. Review status: criteria provided, single submitter. Criteria: Invitae Variant Classification Sherloc (09022015). Collection method: clinical testing. Allele origin: germline.
Comment: This sequence change replaces glycine, which is neutral and non-polar, with glutamic acid, which is acidic and polar, at codon 52 of the ELN protein (p.Gly52Glu). This variant is not present in population databases (gnomAD no frequency). This variant has not been reported in the literature in individuals affected with ELN-related conditions. ClinVar contains an entry for this variant (Variation ID: 2152932). Invitae Evidence Modeling of protein sequence and biophysical properties (such as structural, functional, and spatial information, amino acid conservation, physicochemical variation, residue mobility, and thermodynamic stability) indicates that this missense variant is not expected to disrupt ELN protein function with a negative predictive value of 80%. In summary, the available evidence is currently insufficient to determine the role of this variant in disease. Therefore, it has been classified as a Variant of Uncertain Significance.